The following is an entry in ClinVar:

NC_000005.9:g.(?_90261212)_(90398177_?)del

Gene: ADGRV1 (adhesion G protein-coupled receptor V1; plus strand). Cytogenetic location: 5q14.3.
Variant type: Deletion.
Identifiers: ClinVar variation 3246553 (VCV003246553.1).

ClinVar aggregate classification (germline): Pathogenic (1 of 4 stars; one submission).

Submission:

Labcorp Genetics (formerly Invitae), Labcorp
Classification: Pathogenic. Last evaluated: 2023-12-21. Review status: criteria provided, single submitter. Criteria: Invitae Variant Classification Sherloc (09022015). Collection method: clinical testing. Allele origin: unknown.
Comment: This variant is a gross deletion of the genomic region encompassing exon(s) 84-87 of the ADGRV1 gene. This variant would be expected to be in-frame, preserving the integrity of the reading frame. This variant has not been reported in the literature in individuals affected with ADGRV1-related conditions. This variant disrupts a region of the ADGRV1 protein in which other variant(s) (p.His5978Arg) have been determined to be pathogenic (PMID: 22147658, 30459346). This suggests that this is a clinically significant region of the protein, and that variants that disrupt it are likely to be disease-causing. For these reasons, this variant has been classified as Pathogenic.

Literature cited by the submitters: PubMed 22147658; PubMed 30459346.